The following is an entry in ClinVar:

ClinVar aggregate classification (germline): Uncertain significance (1 of 4 stars; one submission).

Conditions:
Autosomal recessive limb-girdle muscular dystrophy type 2Y (MRRSDC). Also called: Muscular dystrophy, limb-girdle, type 2y; Muscular dystrophy, autosomal recessive, with rigid spine and distal joint contractures. Identifiers: Orphanet 424261, MedGen C4511482, MONDO:0014900, OMIM 617072.

Allele frequency attached by ClinVar (database versions not stated): TOPMed 0.00002.
gnomAD v4.1: 14 of 1,589,200 alleles (0.00088%); highest among the groups gnomAD compares: Admixed American, 0.0018%; no homozygotes.

Submission:

Labcorp Genetics (formerly Invitae), Labcorp
Classification: Uncertain significance for Autosomal recessive limb-girdle muscular dystrophy type 2Y. Last evaluated: 2026-01-05. Review status: criteria provided, single submitter. Criteria: Invitae Variant Classification Sherloc (09022015). Collection method: clinical testing. Allele origin: germline.
Comment: This sequence change replaces arginine, which is basic and polar, with glycine, which is neutral and non-polar, at codon 55 of the TOR1AIP1 protein (p.Arg55Gly). This variant is not present in population databases (gnomAD no frequency). This variant has not been reported in the literature in individuals affected with TOR1AIP1-related conditions. ClinVar contains an entry for this variant (Variation ID: 654486). An algorithm developed to predict the effect of missense changes on protein structure and function (PolyPhen-2) suggests that this variant is likely to be disruptive. In summary, the available evidence is currently insufficient to determine the role of this variant in disease. Therefore, it has been classified as a Variant of Uncertain Significance.

NM_015602.4(TOR1AIP1):c.163C>G (p.Arg55Gly)

Genes: TOR1AIP1 (torsin 1A interacting protein 1; plus strand), LOC112577517 (Sharpr-MPRA regulatory region 13766; plus strand). Cytogenetic location: 1q25.2.
Variant type: single nucleotide variant.
Coding change: c.163C>G on transcript NM_015602.4 (MANE Select); coding-DNA position 163, C replaced by G.
Protein change: p.Arg55Gly; replaces arginine 55 with glycine.
Molecular consequence: missense variant.
Genome position (GRCh38, 1-based): chr1:179,882,665, C>G. VCF-style: chr1-179882665-C-G. GRCh37 (hg19) VCF-style: chr1-179851800-C-G.
Other names: c.163C>G, p.Arg55Gly (NM_001267578.2); short protein forms R55G.
Identifiers: ClinVar variation 654486 (VCV000654486.11), dbSNP rs1248211584, ClinGen allele CA343577751.